The following is an entry in ClinVar:

NM_001166108.2(PALLD):c.*114del

Genes: CBR4 (carbonyl reductase 4; minus strand), PALLD (palladin, cytoskeletal associated protein; plus strand). Cytogenetic location: 4q32.3.
Variant type: Deletion.
Coding change: c.*114del on transcript NM_001166108.2 (MANE Select); 114 bases downstream of the stop codon, one base deleted (A; older notation c.*114delA).
Molecular consequence: 3 prime UTR variant. On other transcripts: frameshift variant (4).
Genome position (GRCh38, 1-based): chr4:168,926,294, A deleted. VCF-style (leftmost placement, unchanged base first): chr4-168926293-CA-C. GRCh37 (hg19) VCF-style: chr4-169847444-CA-C.
Other names: c.2243del, p.Gln748fs (NM_001166109.2); c.1928del, p.Gln643fs (NM_001166110.2); c.*114del (NM_001367567.1, NM_001367570.1, NM_016081.4); c.1319del, p.Gln440fs (NM_001367568.1); c.1268del, p.Gln423fs (NM_001367569.1); short protein forms Q748fs, Q440fs, Q643fs, Q423fs.
Identifiers: ClinVar variation 4841848 (VCV004841848.2).
Genomic context (GRCh38, chr4:168,926,293, plus strand): 5'-CAGAGCACCAAGCCAAAAAAAGTACGGCCCTCAGCCAGTCGCTATGCAGCACTTTCGGAC[CA>C]GGGACTAGACATCAAAGCAGCGTTCCAACCTGAGGCCAACCCATCTCACCTGACACTGAA-3'

ClinVar aggregate classification (germline): Uncertain significance (1 of 4 stars; one submission).

Submission:

Ambry Genetics
Classification: Uncertain significance. Last evaluated: 2026-07-30. Review status: criteria provided, single submitter. Criteria: Ambry Variant Classification Scheme 2023. Collection method: clinical testing. Allele origin: germline.
Comment: The c.1928delA variant, located in coding exon 11 of the PALLD gene, results from a deletion of one nucleotide at nucleotide position 1928, causing a translational frameshift with a predicted alternate stop codon (p.Q643Rfs*3). The evidence for this gene-disease relationship is limited; therefore, the clinical significance of this variant is unclear.